The following is an entry in ClinVar:

NM_004260.4(RECQL4):c.2085del (p.Lys695fs)

Gene: RECQL4 (RecQ like helicase 4; minus strand). Cytogenetic location: 8q24.3.
Variant type: Deletion.
Coding change: c.2085del on transcript NM_004260.4 (MANE Select); coding-DNA position 2085, one base deleted (A; older notation c.2085delA).
Protein change: p.Lys695fs; shifts the reading frame from lysine 695.
Molecular consequence: frameshift variant.
Genome position (GRCh38, 1-based): chr8:144,513,686, T deleted on the plus strand (A on the coding strand, the reverse complement: RECQL4 is on the minus strand); the first of 3 consecutive T bases (chr8:144,513,686-144,513,688); deleting any one gives the same sequence. VCF-style (leftmost placement, unchanged base first): chr8-144513685-GT-G. GRCh37 (hg19) VCF-style: chr8-145739069-GT-G.
Other names: c.2085delA (NM_004260.3); short protein forms K695fs.
Identifiers: ClinVar variation 528955 (VCV000528955.8), dbSNP rs1457411812, ClinGen allele CA658797173.

ClinVar aggregate classification (germline): Pathogenic (1 of 4 stars; one submission).

Conditions:
Baller-Gerold syndrome (BGS). Also called: CRANIOSYNOSTOSIS WITH RADIAL DEFECTS. Identifiers: Orphanet 1225, MedGen C0265308, MONDO:0009039, OMIM 218600.

Submission:

Labcorp Genetics (formerly Invitae), Labcorp
Classification: Pathogenic for Baller-Gerold syndrome. Last evaluated: 2025-12-17. Review status: criteria provided, single submitter. Criteria: Invitae Variant Classification Sherloc (09022015). Collection method: clinical testing. Allele origin: germline.
Comment: This sequence change creates a premature translational stop signal (p.Lys695Asnfs*148) in the RECQL4 gene. It is expected to result in an absent or disrupted protein product. Loss-of-function variants in RECQL4 are known to be pathogenic (PMID: 12734318, 12952869). This variant is not present in population databases (gnomAD no frequency). This premature translational stop signal has been observed in individual(s) with Rothmund–Thomson syndrome (PMID: 27247962). ClinVar contains an entry for this variant (Variation ID: 528955). For these reasons, this variant has been classified as Pathogenic.

Literature cited by the submitters: PubMed 12734318; PubMed 12952869; PubMed 27247962.